The following is an entry in ClinVar:

NM_001261826.3(AP3D1):c.333G>C (p.Leu111=)

Gene: AP3D1 (adaptor related protein complex 3 subunit delta 1; minus strand). Cytogenetic location: 19p13.3.
Variant type: single nucleotide variant.
Coding change: c.333G>C on transcript NM_001261826.3 (MANE Select); coding-DNA position 333, G replaced by C.
Protein change: p.Leu111=; no amino-acid change (leucine 111 retained).
Molecular consequence: synonymous variant.
Genome position (GRCh38, 1-based): chr19:2,137,032, C>G on the plus strand (G>C on the coding strand, the complement: AP3D1 is on the minus strand). VCF-style: chr19-2137032-C-G. GRCh37 (hg19) VCF-style: chr19-2137031-C-G.
Other names: c.333G>C, p.Leu111= (NM_001374799.1, NM_003938.8).
Identifiers: ClinVar variation 3030050 (VCV003030050.2), dbSNP rs367728587, ClinGen allele CA9059773.

ClinVar aggregate classification (germline): Likely benign (0 of 4 stars; one submission).

Conditions:
AP3D1-related disorder. Also called: AP3D1-related condition.

Allele frequency attached by ClinVar (database versions not stated): gnomAD exomes below 0.00001; TOPMed 0.00001; gnomAD 0.00002; ExAC 0.00005; ESP Exome Variant Server 0.00016.
gnomAD v4.1: 10 of 1,594,120 alleles (0.00063%); highest among the groups gnomAD compares: Non-Finnish European, 0.00077%; no homozygotes.

Submission:

PreventionGenetics, part of Exact Sciences
Classification: Likely benign for AP3D1-related condition. Last evaluated: 2020-12-21. Review status: no assertion criteria provided. Collection method: clinical testing. Allele origin: germline.
Comment: This variant is classified as likely benign based on ACMG/AMP sequence variant interpretation guidelines (Richards et al. 2015 PMID: 25741868, with internal and published modifications).